The following is an entry in ClinVar:

NM_024675.4(PALB2):c.2698G>A (p.Ala900Thr)

Gene: PALB2 (partner and localizer of BRCA2; minus strand). Cytogenetic location: 16p12.2.
Variant type: single nucleotide variant.
Coding change: c.2698G>A on transcript NM_024675.4 (MANE Select); coding-DNA position 2698, G replaced by A.
Protein change: p.Ala900Thr; replaces alanine 900 with threonine.
Molecular consequence: missense variant.
Genome position (GRCh38, 1-based): chr16:23,626,286, C>T on the plus strand (G>A on the coding strand, the complement: PALB2 is on the minus strand). VCF-style: chr16-23626286-C-T. GRCh37 (hg19) VCF-style: chr16-23637607-C-T.
Other names: short protein forms A900T.
Identifiers: ClinVar variation 460953 (VCV000460953.14), dbSNP rs1555459946, ClinGen allele CA395121955.

ClinVar aggregate classification (germline): Uncertain significance. Review status: criteria provided, multiple submitters, no conflicts (2 of 4 stars). 2 submissions from 2 submitters: Uncertain significance (2). Last evaluated 2023-10-23.

Conditions:
Hereditary cancer-predisposing syndrome. Also called: Neoplastic Syndromes, Hereditary; Hereditary Cancer Syndrome; Hereditary neoplastic syndrome; Tumor predisposition. Identifiers: Orphanet 140162, MedGen C0027672, MeSH D009386, MONDO:0015356.
Familial cancer of breast. Also called: BREAST CANCER, FAMILIAL; Hereditary breast cancer; hereditary breast carcinoma. Identifiers: Orphanet 227535, MedGen C0346153, MONDO:0016419, OMIM 114480. Disease mechanism: loss of function.

Allele frequency attached by ClinVar (database versions not stated): gnomAD exomes below 0.00001.
gnomAD v4.1: 1 of 1,614,188 alleles (0.000062%); highest among the groups gnomAD compares: Middle Eastern, 0.016%; no homozygotes.

Submissions (2):

Labcorp Genetics (formerly Invitae), Labcorp
Classification: Uncertain significance for Familial cancer of breast. Last evaluated: 2023-10-23. Review status: criteria provided, single submitter. Criteria: Invitae Variant Classification Sherloc (09022015). Collection method: clinical testing. Allele origin: germline.
Comment: This sequence change replaces alanine, which is neutral and non-polar, with threonine, which is neutral and polar, at codon 900 of the PALB2 protein (p.Ala900Thr). This variant is not present in population databases (gnomAD no frequency). This variant has not been reported in the literature in individuals affected with PALB2-related conditions. ClinVar contains an entry for this variant (Variation ID: 460953). Advanced modeling of protein sequence and biophysical properties (such as structural, functional, and spatial information, amino acid conservation, physicochemical variation, residue mobility, and thermodynamic stability) performed at Invitae indicates that this missense variant is not expected to disrupt PALB2 protein function with a negative predictive value of 80%. In summary, the available evidence is currently insufficient to determine the role of this variant in disease. Therefore, it has been classified as a Variant of Uncertain Significance.

Ambry Genetics
Classification: Uncertain significance for Hereditary cancer-predisposing syndrome. Last evaluated: 2018-03-08. Review status: criteria provided, single submitter. Criteria: Ambry Variant Classification Scheme 2023. Collection method: clinical testing. Allele origin: germline.
Comment: The p.A900T variant (also known as c.2698G>A), located in coding exon 7 of the PALB2 gene, results from a G to A substitution at nucleotide position 2698. The alanine at codon 900 is replaced by threonine, an amino acid with similar properties. This amino acid position is poorly conserved in available vertebrate species. In addition, this alteration is predicted to be tolerated by in silico analysis. Since supporting evidence is limited at this time, the clinical significance of this alteration remains unclear.